The following is an entry in ClinVar:

NM_004415.4(DSP):c.2234A>G (p.Glu745Gly)

Gene: DSP (desmoplakin; plus strand). Cytogenetic location: 6p24.3.
Variant type: single nucleotide variant.
Coding change: c.2234A>G on transcript NM_004415.4 (MANE Select); coding-DNA position 2234, A replaced by G.
Protein change: p.Glu745Gly; replaces glutamic acid 745 with glycine.
Molecular consequence: missense variant.
Genome position (GRCh38, 1-based): chr6:7,574,189, A>G. VCF-style: chr6-7574189-A-G. GRCh37 (hg19) VCF-style: chr6-7574422-A-G.
Other names: c.2234A>G, p.Glu745Gly (NM_001008844.3, NM_001319034.2); short protein forms E745G.
Identifiers: ClinVar variation 1517860 (VCV001517860.12), dbSNP rs969462343, ClinGen allele CA133961975.

ClinVar aggregate classification (germline): Uncertain significance. Review status: criteria provided, multiple submitters, no conflicts (2 of 4 stars). 4 submissions from 4 submitters: Uncertain significance (4). Last evaluated 2025-12-13.

Conditions:
Cardiovascular phenotype. Identifiers: MedGen CN230736.
Arrhythmogenic right ventricular dysplasia 8 (ARVD8). Also called: Arrhythmogenic Right Ventricular Dysplasia/Cardiomyopathy 8; ARRHYTHMOGENIC RIGHT VENTRICULAR DYSPLASIA, FAMILIAL, 8; ARRHYTHMOGENIC RIGHT VENTRICULAR CARDIOMYOPATHY 8. Identifiers: MedGen C1843896, MONDO:0011831, OMIM 607450.
Arrhythmogenic cardiomyopathy with wooly hair and keratoderma. Also called: Arrhythmogenic cardiomyopathy with woolly hair and keratoderma; Carvajal syndrome; PALMOPLANTAR KERATODERMA WITH LEFT VENTRICULAR CARDIOMYOPATHY AND WOOLLY HAIR; Dilated cardiomyopathy with woolly hair and keratoderma. Identifiers: Orphanet 65282, MedGen C1854063, MONDO:0011581, OMIM 605676.
Cardiomyopathy (CMYO). Also called: Cardiomyopathies. Identifiers: Orphanet 167848, MedGen C0878544, MONDO:0004994, HP:0001638. Inheritance: Various modes of inheritance.

Allele frequency attached by ClinVar (database versions not stated): gnomAD 0.00002; TOPMed 0.00003.
gnomAD v4.1: 11 of 1,613,954 alleles (0.00068%); highest among the groups gnomAD compares: Non-Finnish European, 0.00093%; no homozygotes.

Submissions (4):

Labcorp Genetics (formerly Invitae), Labcorp
Classification: Uncertain significance for Arrhythmogenic cardiomyopathy with wooly hair and keratoderma; Arrhythmogenic right ventricular dysplasia 8. Last evaluated: 2025-12-13. Review status: criteria provided, single submitter. Criteria: Invitae Variant Classification Sherloc (09022015). Collection method: clinical testing. Allele origin: germline.
Comment: This sequence change replaces glutamic acid, which is acidic and polar, with glycine, which is neutral and non-polar, at codon 745 of the DSP protein (p.Glu745Gly). This variant is not present in population databases (gnomAD no frequency). This variant has not been reported in the literature in individuals affected with DSP-related conditions. ClinVar contains an entry for this variant (Variation ID: 1517860). An algorithm developed to predict the effect of missense changes on protein structure and function (PolyPhen-2) suggests that this variant is likely to be disruptive. In summary, the available evidence is currently insufficient to determine the role of this variant in disease. Therefore, it has been classified as a Variant of Uncertain Significance.

Color Diagnostics, LLC DBA Color Health
Classification: Uncertain significance for Cardiomyopathy. Last evaluated: 2025-06-09. Review status: criteria provided, single submitter. Criteria: ACMG Guidelines, 2015. Collection method: clinical testing. Allele origin: germline.
Comment: This missense variant replaces glutamic acid with glycine at codon 745 of the DSP protein. Computational prediction suggests that this variant may have deleterious impact on protein structure and function. To our knowledge, functional studies have not been reported for this variant. This variant has not been reported in individuals affected with DSP-related disorders in the literature. This variant has not been identified in the general population by the Genome Aggregation Database (gnomAD). The available evidence is insufficient to determine the role of this variant in disease conclusively. Therefore, this variant is classified as a Variant of Uncertain Significance.

All of Us Research Program, National Institutes of Health
Classification: Uncertain significance for Arrhythmogenic cardiomyopathy with wooly hair and keratoderma. Last evaluated: 2024-01-11. Review status: criteria provided, single submitter. Criteria: ACMG Guidelines, 2015. Collection method: clinical testing. Allele origin: germline. Inheritance: Autosomal dominant inheritance. Observed: 3 variant alleles, 3 heterozygotes.
Comment: This study involves interpretation of variants in research participants for the purpose of population health screening. Participant phenotype was not available at the time of variant classification. Additional details can be found in publication PMID: 35346344, PMCID: PMC8962531

Ambry Genetics
Classification: Uncertain significance for Cardiovascular phenotype. Last evaluated: 2022-10-27. Review status: criteria provided, single submitter. Criteria: Ambry Variant Classification Scheme 2023. Collection method: clinical testing. Allele origin: germline.
Comment: The p.E745G variant (also known as c.2234A>G), located in coding exon 16 of the DSP gene, results from an A to G substitution at nucleotide position 2234. The glutamic acid at codon 745 is replaced by glycine, an amino acid with similar properties. This amino acid position is conserved. In addition, this alteration is predicted to be deleterious by in silico analysis. Since supporting evidence is limited at this time, the clinical significance of this alteration remains unclear.